The following is an entry in ClinVar:

ClinVar aggregate classification (germline): Benign/Likely benign. Review status: criteria provided, multiple submitters, no conflicts (2 of 4 stars). 3 submissions from 3 submitters: Benign (1); Likely benign (2). Last evaluated 2025-03-14.

Conditions:
Pheochromocytoma/paraganglioma syndrome 3. Also called: GLOMUS TUMORS, FAMILIAL, 3; Paragangliomas 3; SDHC-Related Hereditary Paraganglioma-Pheochromocytoma Syndrome (Paragangliomas 3); SDHC-Related Hereditary Paraganglioma-Pheochromocytoma Syndrome. Identifiers: Orphanet 29072, MedGen C1854336, MONDO:0011544, OMIM 605373.
Gastrointestinal stromal tumor. Also called: Gastrointestinal stromal tumor, somatic; Gastrointestinal stroma tumor. Identifiers: Orphanet 44890, MedGen C0238198, MeSH D046152, MONDO:0011719, OMIM 606764, HP:0100723.
Hereditary cancer-predisposing syndrome. Also called: Neoplastic Syndromes, Hereditary; Tumor predisposition; Hereditary Cancer Syndrome; Hereditary neoplastic syndrome. Identifiers: Orphanet 140162, MedGen C0027672, MeSH D009386, MONDO:0015356.

Submissions (3):

Myriad Genetics, Inc.
Classification: Benign for Pheochromocytoma/paraganglioma syndrome 3. Last evaluated: 2025-03-14. Review status: criteria provided, single submitter. Criteria: Myriad Autosomal Dominant, Autosomal Recessive and X-Linked Classification Criteria (2023). Collection method: clinical testing. Allele origin: unknown.
Comment: This variant is considered benign. This variant is a silent/synonymous amino acid change and it is not expected to impact splicing.

Labcorp Genetics (formerly Invitae), Labcorp
Classification: Likely benign for Pheochromocytoma/paraganglioma syndrome 3; Gastrointestinal stromal tumor. Last evaluated: 2021-06-02. Review status: criteria provided, single submitter. Criteria: Invitae Variant Classification Sherloc (09022015). Collection method: clinical testing. Allele origin: germline.

Ambry Genetics
Classification: Likely benign for Hereditary cancer-predisposing syndrome. Last evaluated: 2020-11-06. Review status: criteria provided, single submitter. Criteria: Ambry Variant Classification Scheme 2023. Collection method: clinical testing. Allele origin: germline.

NM_003001.5(SDHC):c.315C>T (p.Ser105=)

Gene: SDHC (succinate dehydrogenase complex subunit C; plus strand). Cytogenetic location: 1q23.3.
Variant type: single nucleotide variant.
Coding change: c.315C>T on transcript NM_003001.5 (MANE Select); coding-DNA position 315, C replaced by T.
Protein change: p.Ser105=; no amino-acid change (serine 105 retained).
Molecular consequence: synonymous variant. On other transcripts: non-coding transcript variant (1), intron variant (3).
Genome position (GRCh38, 1-based): chr1:161,356,750, C>T. VCF-style: chr1-161356750-C-T. GRCh37 (hg19) VCF-style: chr1-161326540-C-T.
Other names: c.213C>T, p.Ser71= (NM_001035512.3); c.156C>T, p.Ser52= (NM_001035513.3); c.435C>T, p.Ser145= (NM_001407115.1); c.258C>T, p.Ser86= (NM_001407116.1); c.252C>T, p.Ser84= (NM_001407117.1); c.207C>T, p.Ser69= (NM_001407118.1); c.204C>T, p.Ser68= (NM_001407119.1, NM_001407120.1); c.242-5579C>T (NM_001035511.3); and 2 more.
Identifiers: ClinVar variation 1602489 (VCV001602489.12), dbSNP rs2102370802, ClinGen allele CA421501044.